The following is an entry in ClinVar:

ClinVar aggregate classification (germline): Uncertain significance (1 of 4 stars; one submission).

Conditions:
X-linked lymphoproliferative disease due to XIAP deficiency. Also called: XIAP-Related Lymphoproliferative Disease, X-Linked; XIAP DEFICIENCY. Identifiers: Orphanet 2442, Orphanet 538934, MedGen C1845076, MONDO:0010385, OMIM 300635.

Submission:

Labcorp Genetics (formerly Invitae), Labcorp
Classification: Uncertain significance for X-linked lymphoproliferative disease due to XIAP deficiency. Last evaluated: 2024-10-16. Review status: criteria provided, single submitter. Criteria: Invitae Variant Classification Sherloc (09022015). Collection method: clinical testing. Allele origin: germline.
Comment: This sequence change replaces arginine, which is basic and polar, with glycine, which is neutral and non-polar, at codon 91 of the XIAP protein (p.Arg91Gly). This variant is not present in population databases (gnomAD no frequency). This variant has not been reported in the literature in individuals affected with XIAP-related conditions. ClinVar contains an entry for this variant (Variation ID: 937175). Invitae Evidence Modeling of protein sequence and biophysical properties (such as structural, functional, and spatial information, amino acid conservation, physicochemical variation, residue mobility, and thermodynamic stability) indicates that this missense variant is not expected to disrupt XIAP protein function with a negative predictive value of 80%. In summary, the available evidence is currently insufficient to determine the role of this variant in disease. Therefore, it has been classified as a Variant of Uncertain Significance.

NM_001167.4(XIAP):c.271A>G (p.Arg91Gly)

Gene: XIAP (X-linked inhibitor of apoptosis; plus strand). Cytogenetic location: Xq25.
Variant type: single nucleotide variant.
Coding change: c.271A>G on transcript NM_001167.4 (MANE Select); coding-DNA position 271, A replaced by G.
Protein change: p.Arg91Gly; replaces arginine 91 with glycine.
Molecular consequence: missense variant.
Genome position (GRCh38, 1-based): chrX:123,885,933, A>G. VCF-style: chrX-123885933-A-G. GRCh37 (hg19) VCF-style: chrX-123019783-A-G.
Other names: c.271A>G, p.Arg91Gly (NM_001204401.2, NM_001378590.1, NM_001378591.1 and 1 more transcripts); short protein forms R91G.
Identifiers: ClinVar variation 937175 (VCV000937175.8), dbSNP rs2053346722, ClinGen allele CA414123085.